The following is an entry in ClinVar:

NM_021930.6(RINT1):c.1504A>G (p.Lys502Glu)

Gene: RINT1 (RAD50 interactor 1; plus strand). Cytogenetic location: 7q22.3.
Variant type: single nucleotide variant.
Coding change: c.1504A>G on transcript NM_021930.6 (MANE Select); coding-DNA position 1504, A replaced by G.
Protein change: p.Lys502Glu; replaces lysine 502 with glutamic acid.
Molecular consequence: missense variant.
Genome position (GRCh38, 1-based): chr7:105,555,060, A>G. VCF-style: chr7-105555060-A-G. GRCh37 (hg19) VCF-style: chr7-105195507-A-G.
Other names: c.1270A>G, p.Lys424Glu (NM_001346599.2); c.481A>G, p.Lys161Glu (NM_001346600.2, NM_001346603.2); c.580A>G, p.Lys194Glu (NM_001346601.2); short protein forms K161E, K502E, K194E, K424E.
Identifiers: ClinVar variation 3946004 (VCV003946004.1).

ClinVar aggregate classification (germline): Uncertain significance (1 of 4 stars; one submission).

Submission:

Ambry Genetics
Classification: Uncertain significance. Last evaluated: 2025-05-19. Review status: criteria provided, single submitter. Criteria: Ambry Variant Classification Scheme 2023. Collection method: clinical testing. Allele origin: germline.
Comment: The p.K502E variant (also known as c.1504A>G), located in coding exon 11 of the RINT1 gene, results from an A to G substitution at nucleotide position 1504. The lysine at codon 502 is replaced by glutamic acid, an amino acid with similar properties. This amino acid position is conserved. In addition, the in silico prediction for this alteration is inconclusive. Based on the available evidence, the clinical significance of this variant remains unclear.